The following is an entry in ClinVar:

ClinVar aggregate classification (germline): Likely benign. Review status: criteria provided, multiple submitters, no conflicts (2 of 4 stars). 4 submissions from 4 submitters: Likely benign (4). Last evaluated 2024-10-09.

Conditions:
PKD1-related disorder. Also called: PKD1-related condition.
Polycystic kidney disease, adult type (PKD1). Also called: POLYCYSTIC KIDNEY DISEASE 1 WITH OR WITHOUT POLYCYSTIC LIVER DISEASE; POLYCYSTIC KIDNEY DISEASE, ADULT, TYPE I; Polycystic Kidney Disease 1, Autosomal Dominant; Polycystic kidney disease 1; Polycystic kidney disease 1, severe; Polycystic Kidney, Autosomal Dominant. Identifiers: MedGen C3149841, MONDO:0008263, OMIM 173900.

Allele frequency attached by ClinVar (database versions not stated): ExAC 0.00004; gnomAD exomes 0.00006 and 0.00007; TOPMed 0.00011; ESP Exome Variant Server 0.00015; gnomAD 0.00015 and 0.00016; 1000 Genomes Project 30x 0.00047; 1000 Genomes Project 0.00060.
gnomAD v4.1: 117 of 1,612,624 alleles (0.0073%); highest among the groups gnomAD compares: Middle Eastern, 0.033%; no homozygotes.

Submissions (4):

PreventionGenetics, part of Exact Sciences
Classification: Likely benign for PKD1-related condition. Last evaluated: 2024-10-09. Review status: criteria provided, single submitter. Criteria: ACMG Guidelines, 2015. Collection method: clinical testing. Allele origin: germline.
Comment: This variant is classified as likely benign based on ACMG/AMP sequence variant interpretation guidelines (Richards et al. 2015 PMID: 25741868, with internal and published modifications).

Blueprint Genetics
Classification: Likely benign. Last evaluated: 2024-03-11. Review status: criteria provided, single submitter. Criteria: ACMG Guidelines, 2015. Collection method: clinical testing. Allele origin: germline.

Fulgent Genetics
Classification: Likely benign for Polycystic kidney disease, adult type. Last evaluated: 2021-10-07. Review status: criteria provided, single submitter. Criteria: ACMG Guidelines, 2015. Collection method: clinical testing. Allele origin: unknown.

ARUP Laboratories, Molecular Genetics and Genomics, ARUP Laboratories
Classification: Likely benign. Last evaluated: 2016-10-10. Review status: criteria provided, single submitter. Criteria: ARUP Molecular Germline Variant Investigation Process. Collection method: clinical testing. Allele origin: germline.

NM_001009944.3(PKD1):c.4809C>T (p.Ser1603=)

Gene: PKD1 (polycystin 1, transient receptor potential channel interacting; minus strand). Cytogenetic location: 16p13.3.
Variant type: single nucleotide variant.
Coding change: c.4809C>T on transcript NM_001009944.3 (MANE Select); coding-DNA position 4809, C replaced by T.
Protein change: p.Ser1603=; no amino-acid change (serine 1603 retained).
Molecular consequence: synonymous variant.
Genome position (GRCh38, 1-based): chr16:2,110,358, G>A on the plus strand (C>T on the coding strand, the complement: PKD1 is on the minus strand). VCF-style: chr16-2110358-G-A. GRCh37 (hg19) VCF-style: chr16-2160359-G-A.
Other names: c.4809C>T, p.Ser1603= (NM_000296.4); c.4809C>T (NM_001009944.2).
Identifiers: ClinVar variation 440083 (VCV000440083.11), dbSNP rs146103326, ClinGen allele CA7832243.